The following is an entry in ClinVar:

NM_001723.7(DST):c.3628G>A (p.Ala1210Thr)

Gene: DST (dystonin; minus strand). Cytogenetic location: 6p12.1.
Variant type: single nucleotide variant.
Coding change: c.3628G>A on transcript NM_001723.7 (MANE Plus Clinical); coding-DNA position 3628, G replaced by A.
Protein change: p.Ala1210Thr; replaces alanine 1210 with threonine.
Molecular consequence: missense variant. On other transcripts: intron variant (10).
Genome position (GRCh38, 1-based): chr6:56,620,406, C>T on the plus strand (G>A on the coding strand, the complement: DST is on the minus strand). VCF-style: chr6-56620406-C-T. GRCh37 (hg19) VCF-style: chr6-56485204-C-T.
Other names: c.4830+4124G>A (NM_001144769.5); c.4929+4124G>A (NM_001374722.1, NM_001374736.1); c.4956+4124G>A (NM_001374734.1); c.4416+4124G>A (NM_001144770.2); c.4296+4124G>A (NM_001374730.1, NM_001386100.1, NM_183380.4 and 1 more transcripts); c.3318+4124G>A (NM_015548.5); short protein forms A1210T.
Identifiers: ClinVar variation 651784 (VCV000651784.9), dbSNP rs749433892, ClinGen allele CA3870676.

ClinVar aggregate classification (germline): Uncertain significance (1 of 4 stars; one submission).

Conditions:
Hereditary sensory and autonomic neuropathy type 6. Also called: Neuropathy, hereditary sensory and autonomic, type VI; HSAN VI. Identifiers: Orphanet 314381, MedGen C3539003, MONDO:0013839, OMIM 614653.
Epidermolysis bullosa simplex 3, localized or generalized intermediate, with BP230 deficiency (EBS3). Also called: Epidermolysis bullosa simplex due to BP230 deficiency; Epidermolysis bullosa simplex, autosomal recessive 2. Identifiers: Orphanet 412181, MedGen C3809470, MONDO:0014180, OMIM 615425.

Allele frequency attached by ClinVar (database versions not stated): gnomAD exomes 0.00004; ExAC 0.00005; TOPMed 0.00007.
gnomAD v4.1: 122 of 1,614,070 alleles (0.0076%); highest among the groups gnomAD compares: Non-Finnish European, 0.0093%; no homozygotes.

Submission:

Labcorp Genetics (formerly Invitae), Labcorp
Classification: Uncertain significance for Epidermolysis bullosa simplex 3, localized or generalized intermediate, with BP230 deficiency; Hereditary sensory and autonomic neuropathy type 6. Last evaluated: 2024-01-22. Review status: criteria provided, single submitter. Criteria: Invitae Variant Classification Sherloc (09022015). Collection method: clinical testing. Allele origin: germline.
Comment: This sequence change replaces alanine, which is neutral and non-polar, with threonine, which is neutral and polar, at codon 1210 of the DST protein (p.Ala1210Thr). The frequency data for this variant in the population databases is considered unreliable, as metrics indicate poor data quality at this position in the gnomAD database. This variant has not been reported in the literature in individuals affected with DST-related conditions. ClinVar contains an entry for this variant (Variation ID: 651784). An algorithm developed to predict the effect of missense changes on protein structure and function (PolyPhen-2) suggests that this variant¬†is likely to be tolerated. In summary, the available evidence is currently insufficient to determine the role of this variant in disease. Therefore, it has been classified as a Variant of Uncertain Significance.